The following is an entry in ClinVar:

ClinVar aggregate classification (germline): Pathogenic. Review status: criteria provided, multiple submitters, no conflicts (2 of 4 stars). 3 submissions from 3 submitters: Pathogenic (3). Last evaluated 2022-02-02.

Submissions (3):

Labcorp Genetics (formerly Invitae), Labcorp
Classification: Pathogenic. Last evaluated: 2022-02-02. Review status: criteria provided, single submitter. Criteria: Invitae Variant Classification Sherloc (09022015). Collection method: clinical testing. Allele origin: germline.
Comment: This sequence change creates a premature translational stop signal (p.Trp548*) in the CHM gene. It is expected to result in an absent or disrupted protein product. Loss-of-function variants in CHM are known to be pathogenic (PMID: 9067750, 23811034). This variant is not present in population databases (gnomAD no frequency). For these reasons, this variant has been classified as Pathogenic. ClinVar contains an entry for this variant (Variation ID: 871858). This premature translational stop signal has been observed in individual(s) with choroideremia (PMID: 12827496).

Institute of Medical Genetics and Applied Genomics, University Hospital Tübingen
Classification: Pathogenic. Last evaluated: 2020-10-23. Review status: criteria provided, single submitter. Criteria: ACMG Guidelines, 2015. Collection method: clinical testing. Allele origin: germline. Inheritance: X-linked dominant inheritance. Affected: yes.

CeGaT Center for Human Genetics Tuebingen
Classification: Pathogenic. Last evaluated: 2018-11-01. Review status: criteria provided, single submitter. Criteria: CeGaT Center For Human Genetics Tuebingen Variant Classification Criteria Version 2. Collection method: clinical testing. Allele origin: germline. Affected: yes. Observed: 1 variant allele.

Literature cited by the submitters: PubMed 9067750 (cited by Labcorp Genetics (formerly Invitae), Labcorp); PubMed 23811034 (cited by Labcorp Genetics (formerly Invitae), Labcorp); PubMed 12827496 (cited by Labcorp Genetics (formerly Invitae), Labcorp).

NM_000390.4(CHM):c.1644G>A (p.Trp548Ter)

Gene: CHM (CHM Rab escort protein; minus strand). Cytogenetic location: Xq21.2.
Variant type: single nucleotide variant.
Coding change: c.1644G>A on transcript NM_000390.4 (MANE Select); coding-DNA position 1644, G replaced by A.
Protein change: p.Trp548Ter; replaces tryptophan 548 with a stop codon.
Molecular consequence: nonsense.
Genome position (GRCh38, 1-based): chrX:85,873,178, C>T on the plus strand (G>A on the coding strand, the complement: CHM is on the minus strand). VCF-style: chrX-85873178-C-T. GRCh37 (hg19) VCF-style: chrX-85128183-C-T.
Other names: c.1200G>A, p.Trp400Ter (NM_001320959.1, NM_001362517.1, NM_001362518.2 and 1 more transcripts); short protein forms W400*, W548*.
Identifiers: ClinVar variation 871858 (VCV000871858.49), dbSNP rs1924195176, ClinGen allele CA413786920.